The following is an entry in ClinVar:

ClinVar aggregate classification (germline): Pathogenic. Review status: reviewed by expert panel (3 of 4 stars). 3 submissions from 3 submitters: Pathogenic (1). 2 of the submissions do not count toward it. Last evaluated 2017-12-15.

Conditions:
Hereditary breast ovarian cancer syndrome. Also called: Hereditary breast and ovarian cancer syndrome (HBOC); Hereditary breast and ovarian cancer syndrome; Hereditary breast and ovarian cancer; Hereditary breast and/or ovarian cancer syndrome; Breast and ovarian cancer; BRCA1- and BRCA2-Associated Hereditary Breast and Ovarian Cancer. Identifiers: Orphanet 145, MedGen C0677776, MeSH D061325, MONDO:0003582. Disease mechanism: loss of function.
Breast-ovarian cancer, familial, susceptibility to, 1 (BROVCA1). Also called: OVARIAN CANCER, SUSCEPTIBILITY TO; BRCA1 Hereditary Breast and Ovarian Cancer. Identifiers: Orphanet 145, MedGen C2676676, MONDO:0011450, OMIM 604370. Disease mechanism: loss of function.
Familial cancer of breast. Also called: Hereditary breast cancer; hereditary breast carcinoma; BREAST CANCER, FAMILIAL. Identifiers: Orphanet 227535, MedGen C0346153, MONDO:0016419, OMIM 114480. Disease mechanism: loss of function.

Submissions (3):

Evidence-based Network for the Interpretation of Germline Mutant Alleles (ENIGMA)
Classification: Pathogenic for Breast-ovarian cancer, familial, susceptibility to, 1. Last evaluated: 2017-12-15. Review status: reviewed by expert panel. Criteria: ENIGMA BRCA1/2 Classification Criteria (2017-06-29). Collection method: curation. Allele origin: germline. Study: ENIGMA.
Comment: Variant allele predicted to encode a truncated non-functional protein.

Labcorp Genetics (formerly Invitae), Labcorp
Classification: Pathogenic for Hereditary breast ovarian cancer syndrome. Last evaluated: 2025-12-24. Review status: criteria provided, single submitter. Criteria: Invitae Variant Classification Sherloc (09022015). Collection method: clinical testing. Allele origin: germline. Not counted in ClinVar's aggregate classification.
Comment: This sequence change creates a premature translational stop signal (p.Asn567Ilefs*5) in the BRCA1 gene. It is expected to result in an absent or disrupted protein product. Loss-of-function variants in BRCA1 are known to be pathogenic (PMID: 20104584). This variant is not present in population databases (gnomAD no frequency). This premature translational stop signal has been observed in individual(s) with breast and/or ovarian cancer (PMID: 30702160). ClinVar contains an entry for this variant (Variation ID: 54327). For these reasons, this variant has been classified as Pathogenic.

ClinVar Staff, National Center for Biotechnology Information (NCBI)
No classification provided. Condition: Familial cancer of breast. Review status: no classification provided. Collection method: literature only. Allele origin: germline. Affected: yes. Not counted in ClinVar's aggregate classification.

Literature cited by the submitters: PubMed 20104584 (cited by Labcorp Genetics (formerly Invitae), Labcorp); PubMed 30702160 (cited by Labcorp Genetics (formerly Invitae), Labcorp); PubMed 12112655 (cited by ClinVar Staff, National Center for Biotechnology Information (NCBI)).

NM_007294.4(BRCA1):c.1700del (p.Asn567fs)

Gene: BRCA1 (BRCA1 DNA repair associated; minus strand). Cytogenetic location: 17q21.31.
Variant type: Deletion.
Coding change: c.1700del on transcript NM_007294.4 (MANE Select); coding-DNA position 1700, one base deleted (A; older notation c.1700delA).
Protein change: p.Asn567fs; shifts the reading frame from asparagine 567.
Molecular consequence: frameshift variant. On other transcripts: intron variant (137).
Genome position (GRCh38, 1-based): chr17:43,093,831, T deleted on the plus strand (A on the coding strand, the reverse complement: BRCA1 is on the minus strand); the first of 5 consecutive T bases (chr17:43,093,831-43,093,835); deleting any one gives the same sequence. VCF-style (leftmost placement, unchanged base first): chr17-43093830-AT-A. GRCh37 (hg19) VCF-style: chr17-41245847-AT-A.
Other names: c.1700delA (NM_007294.3); c.664+913del (NM_001408428.1, NM_001408441.1, NM_001408437.1 and 12 more transcripts); c.670+2015del (NM_001408418.1, NM_001408423.1, NM_001408420.1 and 2 more transcripts); c.787+913del (NM_001407981.1, NM_007298.4, NM_001407978.1 and 19 more transcripts); c.643+913del (NM_001408462.1, NM_001408470.1, NM_001408464.1 and 3 more transcripts); c.709+913del (NM_001408414.1, NM_001408411.1, NM_001408415.1 and 2 more transcripts); c.577+913del (NM_001408514.1, NM_001408485.1, NM_001408483.1 and 9 more transcripts); c.661+913del (NM_001408447.1, NM_001408433.1, NM_001408446.1 and 6 more transcripts); and 41 more; short protein forms N520fs, N567fs, N479fs, N499fs, N540fs, N399fs, N439fs, N456fs.
Identifiers: ClinVar variation 54327 (VCV000054327.4), dbSNP rs80357784, ClinGen allele CA001113.